The following is an entry in ClinVar:

ClinVar aggregate classification (germline): Uncertain significance. Review status: criteria provided, multiple submitters, no conflicts (2 of 4 stars). 2 submissions from 2 submitters: Uncertain significance (2). Last evaluated 2025-05-03.

Conditions:
Hereditary cancer-predisposing syndrome. Also called: Tumor predisposition; Hereditary neoplastic syndrome; Neoplastic Syndromes, Hereditary; Hereditary Cancer Syndrome. Identifiers: Orphanet 140162, MedGen C0027672, MeSH D009386, MONDO:0015356.

Submissions (2):

Ambry Genetics
Classification: Uncertain significance for Hereditary cancer-predisposing syndrome. Last evaluated: 2025-05-03. Review status: criteria provided, single submitter. Criteria: Ambry Variant Classification Scheme 2023. Collection method: clinical testing. Allele origin: germline.
Comment: The p.V1387A variant (also known as c.4160T>C), located in coding exon 33 of the POLE gene, results from a T to C substitution at nucleotide position 4160. The valine at codon 1387 is replaced by alanine, an amino acid with similar properties. This amino acid position is conserved. In addition, this alteration is predicted to be tolerated by in silico analysis. Since supporting evidence is limited at this time, the clinical significance of this alteration remains unclear.

Labcorp Genetics (formerly Invitae), Labcorp
Classification: Uncertain significance. Last evaluated: 2025-01-30. Review status: criteria provided, single submitter. Criteria: Invitae Variant Classification Sherloc (09022015). Collection method: clinical testing. Allele origin: germline.
Comment: This sequence change replaces valine, which is neutral and non-polar, with alanine, which is neutral and non-polar, at codon 1387 of the POLE protein (p.Val1387Ala). This variant is not present in population databases (gnomAD no frequency). This variant has not been reported in the literature in individuals affected with POLE-related conditions. ClinVar contains an entry for this variant (Variation ID: 857379). Invitae Evidence Modeling of protein sequence and biophysical properties (such as structural, functional, and spatial information, amino acid conservation, physicochemical variation, residue mobility, and thermodynamic stability) indicates that this missense variant is not expected to disrupt POLE protein function with a negative predictive value of 80%. In summary, the available evidence is currently insufficient to determine the role of this variant in disease. Therefore, it has been classified as a Variant of Uncertain Significance.

NM_006231.4(POLE):c.4160T>C (p.Val1387Ala)

Gene: POLE (DNA polymerase epsilon, catalytic subunit; minus strand). Cytogenetic location: 12q24.33.
Variant type: single nucleotide variant.
Coding change: c.4160T>C on transcript NM_006231.4 (MANE Select); coding-DNA position 4160, T replaced by C.
Protein change: p.Val1387Ala; replaces valine 1387 with alanine.
Molecular consequence: missense variant.
Genome position (GRCh38, 1-based): chr12:132,643,967, A>G on the plus strand (T>C on the coding strand, the complement: POLE is on the minus strand). VCF-style: chr12-132643967-A-G. GRCh37 (hg19) VCF-style: chr12-133220553-A-G.
Other names: c.4160T>C (NM_006231.2); short protein forms V1387A.
Identifiers: ClinVar variation 857379 (VCV000857379.12), dbSNP rs2042217540, ClinGen allele CA387382509.